The following is an entry in ClinVar:

NM_000037.4(ANK1):c.3205C>T (p.Leu1069Phe)

Gene: ANK1 (ankyrin 1; minus strand). Cytogenetic location: 8p11.21.
Variant type: single nucleotide variant.
Coding change: c.3205C>T on transcript NM_000037.4 (MANE Select); coding-DNA position 3205, C replaced by T.
Protein change: p.Leu1069Phe; replaces leucine 1069 with phenylalanine.
Molecular consequence: missense variant.
Genome position (GRCh38, 1-based): chr8:41,694,714, G>A on the plus strand (C>T on the coding strand, the complement: ANK1 is on the minus strand). VCF-style: chr8-41694714-G-A. GRCh37 (hg19) VCF-style: chr8-41552232-G-A.
Other names: c.3328C>T, p.Leu1110Phe (NM_001142446.2); c.3205C>T, p.Leu1069Phe (NM_020475.3, NM_020476.3, NM_020477.3); short protein forms L1069F, L1110F.
Identifiers: ClinVar variation 3007541 (VCV003007541.3), dbSNP rs2486773106, ClinGen allele CA371060591.

ClinVar aggregate classification (germline): Uncertain significance (1 of 4 stars; one submission).

Submission:

Labcorp Genetics (formerly Invitae), Labcorp
Classification: Uncertain significance. Last evaluated: 2023-09-25. Review status: criteria provided, single submitter. Criteria: Invitae Variant Classification Sherloc (09022015). Collection method: clinical testing. Allele origin: germline.
Comment: In summary, the available evidence is currently insufficient to determine the role of this variant in disease. Therefore, it has been classified as a Variant of Uncertain Significance. Algorithms developed to predict the effect of sequence changes on RNA splicing suggest that this variant may create or strengthen a splice site. Advanced modeling of protein sequence and biophysical properties (such as structural, functional, and spatial information, amino acid conservation, physicochemical variation, residue mobility, and thermodynamic stability) has been performed at Invitae for this missense variant, however the output from this modeling did not meet the statistical confidence thresholds required to predict the impact of this variant on ANK1 protein function. This variant has not been reported in the literature in individuals affected with ANK1-related conditions. This variant is not present in population databases (gnomAD no frequency). This sequence change replaces leucine, which is neutral and non-polar, with phenylalanine, which is neutral and non-polar, at codon 1069 of the ANK1 protein (p.Leu1069Phe).